The following is an entry in ClinVar:

ClinVar aggregate classification (germline): Likely benign. Review status: criteria provided, multiple submitters, no conflicts (2 of 4 stars). 2 submissions from 2 submitters: Likely benign (2). Last evaluated 2026-01-01.

Conditions:
Gorlin syndrome. Also called: Nevoid Basal Cell Carcinoma Syndrome; Basal cell nevus syndrome. Identifiers: Orphanet 377, MedGen C0004779, MONDO:0007187.

Allele frequency attached by ClinVar (database versions not stated): ESP Exome Variant Server 0.00015; ExAC 0.00024; gnomAD exomes 0.00024; TOPMed 0.00027; gnomAD 0.00032 and 0.00035.
gnomAD v4.1: 691 of 1,614,092 alleles (0.043%); highest among the groups gnomAD compares: Non-Finnish European, 0.056%; 1 homozygote.

Submissions (2):

CeGaT Center for Human Genetics Tuebingen
Classification: Likely benign. Last evaluated: 2026-01-01. Review status: criteria provided, single submitter. Criteria: CeGaT Center For Human Genetics Tuebingen Variant Classification Criteria Version 2. Collection method: clinical testing. Allele origin: germline. Affected: yes. Observed: 3 variant alleles.
Comment: PTCH2: BP4, BP7

Labcorp Genetics (formerly Invitae), Labcorp
Classification: Likely benign for Gorlin syndrome. Last evaluated: 2025-11-09. Review status: criteria provided, single submitter. Criteria: Invitae Variant Classification Sherloc (09022015). Collection method: clinical testing. Allele origin: germline.

NM_003738.5(PTCH2):c.3189C>T (p.Thr1063=)

Gene: PTCH2 (patched 2; minus strand). Cytogenetic location: 1p34.1.
Variant type: single nucleotide variant.
Coding change: c.3189C>T on transcript NM_003738.5 (MANE Select); coding-DNA position 3189, C replaced by T.
Protein change: p.Thr1063=; no amino-acid change (threonine 1063 retained).
Molecular consequence: synonymous variant.
Genome position (GRCh38, 1-based): chr1:44,823,311, G>A on the plus strand (C>T on the coding strand, the complement: PTCH2 is on the minus strand). VCF-style: chr1-44823311-G-A. GRCh37 (hg19) VCF-style: chr1-45288983-G-A.
Other names: c.3189C>T, p.Thr1063= (NM_001166292.2).
Identifiers: ClinVar variation 453936 (VCV000453936.36), dbSNP rs143986029, ClinGen allele CA822772.